The following is an entry in ClinVar:

ClinVar aggregate classification (germline): Pathogenic. Review status: reviewed by expert panel (3 of 4 stars). 5 submissions from 5 submitters: Pathogenic (1). 4 of the submissions do not count toward it. Last evaluated 2023-11-16.

Conditions:
Ectopia lentis 1, isolated, autosomal dominant (ECTOL1). Identifiers: Orphanet 1885, MedGen C3541518, MONDO:0007514, OMIM 129600.
Marfan syndrome (MFS). Also called: FBN1-Related Marfan Syndrome; MARFAN SYNDROME, TYPE I; Marfan syndrome type 1; Marfan's syndrome; Marfan syndrome, classic. Identifiers: Orphanet 284963, Orphanet 558, MedGen C0024796, MONDO:0007947, OMIM 154700.
FBN1-related disorder. Also called: FBN1-related disorders.
Familial thoracic aortic aneurysm and aortic dissection (TAAD). Also called: Thoracic aortic aneurysms and dissections. Identifiers: Orphanet 91387, MedGen C4707243, MONDO:0019625.

Submissions (5):

ClinGen FBN1 Variant Curation Expert Panel, ClinGen
Classification: Pathogenic for Marfan syndrome. Last evaluated: 2023-11-16. Review status: reviewed by expert panel. Criteria: Assertion Criteria VCEP FBN1 Version 1. Collection method: curation. Allele origin: germline. Inheritance: Autosomal dominant inheritance.
Comment: NM_00138 c.1708T>C is a missense variant in FBN1 predicted to cause a substitution of a cysteine by arginine at amino acid 570 (p.Cys570Arg). This variant has been found in two probands with ectopia lentis (EL), one of whom was also reported to have numerous systemic features of Marfan syndrome without thoracic aortic aneurysm and dissection (TAAD), as well as a proband with isolated TAAD (PS4_moderate; PMID: 10486319; 3billion & Invitae internal data, ClinVar Variation ID: 956400). An additional proband with a severe Marfan syndrome phenotype including EL, TAAD, and major skeletal involvement (PP4; Bichat internal data). Functional studies performed on patient fibroblasts with this variant demonstrated reduced fibrillin synthesis and secretion (50% and 28% of controls, respectively) (PS3_supporting; PMID: 10486319). This variant is not present in gnomAD (PM2_supporting). This variant affects a cysteine residue in a calcium binding EGF domain; cysteine residues are believed to be involved in the formation of disulfide bridges which are essential for the protein structure (PM1_strong). Several other variants affecting this codon have been reported in association with Marfan syndrome (p.Cys570Gly, p.Cys570SerSer, p.Cys570Trp, p.Cys570Tyr). Computational prediction tools and conservation analysis support that this variant may impact the protein’s structure or function (PP3). The constraint z-score for missense variants affecting FBN1 is 5.06 (PP2). In summary, this variant meets criteria to be classified as pathogenic for Marfan syndrome based on the ACMG/AMP criteria applied, as specified by the ClinGen FBN1 VCEP: PM1_strong, PS4_moderate, PS3_supporting, PM2_supporting, PP2, PP3, PP4.

Ambry Genetics
Classification: Pathogenic for Familial thoracic aortic aneurysm and aortic dissection. Last evaluated: 2025-08-21. Review status: criteria provided, single submitter. Criteria: Ambry Variant Classification Scheme 2023. Collection method: clinical testing. Allele origin: germline. Not counted in ClinVar's aggregate classification.
Comment: The p.C570R pathogenic mutation (also known as c.1708T>C), located in coding exon 13 of the FBN1 gene, results from a T to C substitution at nucleotide position 1708. The cysteine at codon 570 is replaced by arginine, an amino acid with highly dissimilar properties, and is located in the cbEGF-like #04 domain. This variant has been detected in an individual from a Marfan syndrome (MFS) cohort with bilateral ectopia lentis and systemic findings. Studies of patient fibroblasts indicated reduced fibrillin synthesis and secretion (Schrijver I et al. Am J Hum Genet, 1999 Oct;65:1007-20). This variant has also been identified in an unrelated proband reported to have MFS and ectopia lentis (Wu Y et al. Biosci Rep, 2020 12;40). In addition, other variants affecting this codon (e.g., p.C570G, c.1708T>G) have been reported in association with MFS (Xiao Y et al. Mol Med Rep, 2017 Nov;16:7321-7328). The majority of FBN1 mutations identified to date have involved the substitution or generation of cysteine residues within cbEGF domains (Vollbrandt T et al. J Biol Chem. 2004;279(31):32924-32931). Internal structural analysis indicates this alteration eliminates a disulfide bond critical for the structural integrity of the cbEGF domain #04 (Ambry internal data). In addition, this alteration is predicted to be deleterious by in silico analysis. This variant is considered to be rare based on population cohorts in the Genome Aggregation Database (gnomAD). Based on the supporting evidence, this variant is interpreted as a disease-causing mutation.

3billion
Classification: Uncertain significance for Ectopia lentis 1, isolated, autosomal dominant. Last evaluated: 2022-09-01. Review status: criteria provided, single submitter. Criteria: ACMG Guidelines, 2015. Collection method: clinical testing. Allele origin: germline. Affected: yes. Observed: 1 heterozygote. Not counted in ClinVar's aggregate classification.
Comment: The variant is not observed in the gnomAD v2.1.1 dataset. Functional studies provide strong evidence of the variant having a damaging effect on the gene or gene product (PMID: 29875124). In silico tool predictions suggest damaging effect of the variant on gene or gene product (REVEL: 0.98; 3Cnet: NA). Same nucleotide change resulting in same amino acid change has been previously reported to be associated with FBN1-related disorder (ClinVar ID: VCV000956400 / PMID: 10486319). Different missense changes at the same codon (p.Cys570Gly, p.Cys570Ser, p.Cys570Trp, p.Cys570Tyr) have been reported to be associated with FBN1-related disorder (ClinVar ID: VCV000549035 , VCV000575196 / PMID: 11700157 , 21907952 , 28944857). Therefore, this variant is classified as Likely pathogenic according to the recommendation of ACMG/AMP guideline.

Blueprint Genetics
Classification: Likely pathogenic for FBN1-related disorders. Last evaluated: 2021-09-27. Review status: criteria provided, single submitter. Criteria: ACMG Guidelines, 2015. Collection method: clinical testing. Allele origin: germline. Affected: yes. Observed: 1 variant allele. Not counted in ClinVar's aggregate classification.

Labcorp Genetics (formerly Invitae), Labcorp
Classification: Pathogenic for Marfan syndrome; Familial thoracic aortic aneurysm and aortic dissection. Last evaluated: 2019-08-11. Review status: criteria provided, single submitter. Criteria: Invitae Variant Classification Sherloc (09022015). Collection method: clinical testing. Allele origin: germline. Not counted in ClinVar's aggregate classification.
Comment: This sequence change replaces cysteine with arginine at codon 570 of the FBN1 protein (p.Cys570Arg). The cysteine residue is highly conserved and there is a large physicochemical difference between cysteine and arginine. This variant affects a cysteine residue in the EGF-like, TGFBP or hybrid motif domains of FBN1. Cysteine residues are believed to be involved in intramolecular disulfide bridges and have been shown to be important for FBN1 protein structure (PMID: 16905551, 19349279). In addition, missense substitutions affecting cysteine residues within these domains are significantly overrepresented among patients with Marfan syndrome (PMID: 16571647, 17701892). For these reasons, this variant has been classified as Pathogenic. This variant disrupts the p.Cys570 amino acid residue in FBN1. Other variant(s) that disrupt this residue have been observed in individuals with FBN1-related conditions (PMID: 28944857, 11700157, Invitae), which suggests that this may be a clinically significant amino acid residue. Algorithms developed to predict the effect of missense changes on protein structure and function (SIFT, PolyPhen-2, Align-GVGD) all suggest that this variant is likely to be disruptive, but these predictions have not been confirmed by published functional studies and their clinical significance is uncertain. This variant has been observed in an individual affected with Marfan syndrome (PMID: 10486319). This variant is not present in population databases (ExAC no frequency).

Literature cited by the submitters: PubMed 10486319 (cited by 4 submitters); PubMed 28944857 (cited by 3 submitters); PubMed 33200202 (cited by Ambry Genetics); PubMed 11700157 (cited by 3billion and Labcorp Genetics (formerly Invitae), Labcorp); PubMed 21907952 (cited by 3billion); PubMed 16905551 (cited by Labcorp Genetics (formerly Invitae), Labcorp); PubMed 19349279 (cited by Labcorp Genetics (formerly Invitae), Labcorp); PubMed 16571647 (cited by Labcorp Genetics (formerly Invitae), Labcorp); PubMed 17701892 (cited by Labcorp Genetics (formerly Invitae), Labcorp).

NM_000138.5(FBN1):c.1708T>C (p.Cys570Arg)

Gene: FBN1 (fibrillin 1; minus strand). Cytogenetic location: 15q21.1.
Variant type: single nucleotide variant.
Coding change: c.1708T>C on transcript NM_000138.5 (MANE Select); coding-DNA position 1708, T replaced by C.
Protein change: p.Cys570Arg; replaces cysteine 570 with arginine.
Molecular consequence: missense variant.
Genome position (GRCh38, 1-based): chr15:48,510,050, A>G on the plus strand (T>C on the coding strand, the complement: FBN1 is on the minus strand). VCF-style: chr15-48510050-A-G. GRCh37 (hg19) VCF-style: chr15-48802247-A-G.
Other names: NM_000138.5(FBN1):c.1708T>C; p.Cys570Arg; short protein forms C570R.
Identifiers: ClinVar variation 956400 (VCV000956400.15), dbSNP rs113902534, ClinGen allele CA269554328.